The following is an entry in ClinVar:

NM_000038.6(APC):c.2373C>T (p.His791=)

Gene: APC (APC regulator of Wnt signaling pathway; plus strand). Cytogenetic location: 5q22.2.
Variant type: single nucleotide variant.
Coding change: c.2373C>T on transcript NM_000038.6 (MANE Select); coding-DNA position 2373, C replaced by T.
Protein change: p.His791=; no amino-acid change (histidine 791 retained).
Molecular consequence: synonymous variant.
Genome position (GRCh38, 1-based): chr5:112,837,967, C>T. VCF-style: chr5-112837967-C-T. GRCh37 (hg19) VCF-style: chr5-112173664-C-T.
Other names: c.2373C>T, p.His791= (NM_001127510.3, NM_001354895.2); c.2319C>T, p.His773= (NM_001127511.3); c.2427C>T, p.His809= (NM_001354896.2); c.2403C>T, p.His801= (NM_001354897.2); c.2298C>T, p.His766= (NM_001354898.2); c.2289C>T, p.His763= (NM_001354899.2); c.2250C>T, p.His750= (NM_001354900.2); c.2196C>T, p.His732= (NM_001354901.2); and 5 more.
Identifiers: ClinVar variation 1215736 (VCV001215736.11), dbSNP rs2149867589, ClinGen allele CA445963415.

ClinVar aggregate classification (germline): Benign/Likely benign. Review status: criteria provided, multiple submitters, no conflicts (2 of 4 stars). 6 submissions from 6 submitters: Benign (1); Likely benign (5). Last evaluated 2025-11-09.

Conditions:
Classic or attenuated familial adenomatous polyposis. Identifiers: MedGen CN372698, MONDO:0021057.
Hereditary cancer-predisposing syndrome. Also called: Neoplastic Syndromes, Hereditary; Tumor predisposition; Hereditary neoplastic syndrome; Hereditary Cancer Syndrome. Identifiers: Orphanet 140162, MedGen C0027672, MeSH D009386, MONDO:0015356.
Familial adenomatous polyposis 1 (FAP1). Also called: FAMILIAL ADENOMATOUS POLYPOSIS 1, ATTENUATED; POLYPOSIS, ADENOMATOUS INTESTINAL. Identifiers: MedGen C2713442, MONDO:0021056, OMIM 175100. Disease mechanism: loss of function.

gnomAD v4.1: 2 of 1,614,074 alleles (0.00012%); highest among the groups gnomAD compares: Non-Finnish European, 0.00017%; no homozygotes.

Submissions (6):

Labcorp Genetics (formerly Invitae), Labcorp
Classification: Likely benign for Familial adenomatous polyposis 1. Last evaluated: 2025-11-09. Review status: criteria provided, single submitter. Criteria: Invitae Variant Classification Sherloc (09022015). Collection method: clinical testing. Allele origin: germline.

Myriad Genetics, Inc.
Classification: Benign for Familial adenomatous polyposis 1. Last evaluated: 2024-03-12. Review status: criteria provided, single submitter. Criteria: Myriad Autosomal Dominant, Autosomal Recessive and X-Linked Classification Criteria (2023). Collection method: clinical testing. Allele origin: unknown.
Comment: This variant is considered benign. This variant is a silent/synonymous amino acid change and it is not expected to impact splicing.

All of Us Research Program, National Institutes of Health
Classification: Likely benign for Classic or attenuated familial adenomatous polyposis. Last evaluated: 2023-02-10. Review status: criteria provided, single submitter. Criteria: ACMG Guidelines, 2015. Collection method: clinical testing. Allele origin: germline. Inheritance: Autosomal dominant inheritance. Observed: 1 variant allele, 1 heterozygote.
Comment: This study involves interpretation of variants in research participants for the purpose of population health screening. Participant phenotype was not available at the time of variant classification. Additional details can be found in publication PMID: 35346344, PMCID: PMC8962531

Ambry Genetics
Classification: Likely benign for Hereditary cancer-predisposing syndrome. Last evaluated: 2023-01-22. Review status: criteria provided, single submitter. Criteria: Ambry Variant Classification Scheme 2023. Collection method: clinical testing. Allele origin: germline.

Color Diagnostics, LLC DBA Color Health
Classification: Likely benign for Hereditary cancer-predisposing syndrome. Last evaluated: 2021-11-16. Review status: criteria provided, single submitter. Criteria: ACMG Guidelines, 2015. Collection method: clinical testing. Allele origin: germline.

GeneDx
Classification: Likely benign. Last evaluated: 2020-07-08. Review status: criteria provided, single submitter. Criteria: GeneDx Variant Classification Process June 2021. Collection method: clinical testing. Allele origin: germline. Affected: yes.